The following is an entry in ClinVar:

NM_001257.5(CDH13):c.664G>A (p.Gly222Ser)

Genes: CDH13 (cadherin 13; plus strand), LOC126862420 (P300/CBP strongly-dependent group 1 enhancer GRCh37_chr16:83377629-83378828; plus strand). Cytogenetic location: 16q23.3.
Variant type: single nucleotide variant.
Coding change: c.664G>A on transcript NM_001257.5 (MANE Select); coding-DNA position 664, G replaced by A.
Protein change: p.Gly222Ser; replaces glycine 222 with serine.
Molecular consequence: missense variant. On other transcripts: 5 prime UTR variant (1).
Genome position (GRCh38, 1-based): chr16:83,344,889, G>A. VCF-style: chr16-83344889-G-A. GRCh37 (hg19) VCF-style: chr16-83378494-G-A.
Other names: c.805G>A, p.Gly269Ser (NM_001220488.2); c.547G>A, p.Gly183Ser (NM_001220489.2); c.-99G>A (NM_001220490.2); short protein forms G269S, G222S, G183S.
Identifiers: ClinVar variation 4997755 (VCV004997755.1).
Genomic context (GRCh38, chr16:83,344,889, plus strand): 5'-CTTCTTTCTCCCCCAATCTCTTTGCTCAAATAGCTATTTGTGGAGACCACTGATGTCAAT[G>A]GCAAAACTCTCGAGGGGCCGGTGCCTCTGGAAGTCATTGTGATTGATCAGAATGACAACC-3'
Protein context (NP_001248.1, residues 212-232): QLFVETTDVN[Gly222Ser]KTLEGPVPLE

ClinVar aggregate classification (germline): Uncertain significance (1 of 4 stars; one submission).

Conditions:
CDH13-related disorder. Also called: CDH13-related condition.

gnomAD v4.1: 2 of 1,613,876 alleles (0.00012%); highest among the groups gnomAD compares: East Asian, 0.0045%; no homozygotes.

Submission:

PreventionGenetics, part of Exact Sciences
Classification: Uncertain significance for CDH13-related condition. Last evaluated: 2025-05-13. Review status: criteria provided, single submitter. Criteria: ACMG Guidelines, 2015. Collection method: clinical testing. Allele origin: germline.
Comment: The CDH13 c.805G>A variant is predicted to result in the amino acid substitution p.Gly269Ser. To our knowledge, this variant has not been reported in the literature or in a large population database (gnomAD), indicating this variant is rare. At this time, the clinical significance of this variant is uncertain due to the absence of conclusive functional and genetic evidence.